The following is an entry in ClinVar:

NM_203447.4(DOCK8):c.3836C>T (p.Ser1279Phe)

Gene: DOCK8 (dedicator of cytokinesis 8; plus strand). Cytogenetic location: 9p24.3.
Variant type: single nucleotide variant.
Coding change: c.3836C>T on transcript NM_203447.4 (MANE Select); coding-DNA position 3836, C replaced by T.
Protein change: p.Ser1279Phe; replaces serine 1279 with phenylalanine.
Molecular consequence: missense variant.
Genome position (GRCh38, 1-based): chr9:418,203, C>T. VCF-style: chr9-418203-C-T. GRCh37 (hg19) VCF-style: chr9-418203-C-T.
Other names: c.3536C>T, p.Ser1179Phe (NM_001190458.2); c.3632C>T, p.Ser1211Phe (NM_001193536.2); short protein forms S1179F, S1211F, S1279F.
Identifiers: ClinVar variation 4537776 (VCV004537776.2).
Genomic context (GRCh38, chr9:418,203, plus strand): 5'-TGGCTCTGGCCATAGCAGGGAATAATTTCAATTTGAAAACAAGTGGAATAGTGCTGTCTT[C>T]CTTGGTATGTTGGTGCACATGTGTCTGGTTGATTTTTCATTTCATGTCTTCTGTCTTCTG-3'
Protein context (NP_982272.2, residues 1269-1289): NLKTSGIVLS[Ser1279Phe]LPYKQYNMLN

ClinVar aggregate classification (germline): Uncertain significance. Review status: criteria provided, multiple submitters, no conflicts (2 of 4 stars). 2 submissions from 2 submitters: Uncertain significance (2). Last evaluated 2025-06-12.

Conditions:
Combined immunodeficiency due to DOCK8 deficiency (HIES2). Also called: HIES autosomal recessive; HYPER-IgE RECURRENT INFECTION SYNDROME 2, AUTOSOMAL RECESSIVE; DOCK8 Deficiency; Hyper-IgE recurrent infection syndrome, autosomal recessive; HYPER-IgE SYNDROME 2, AUTOSOMAL RECESSIVE, WITH RECURRENT INFECTIONS. Identifiers: Orphanet 217390, MedGen C4722305, MONDO:0009478, OMIM 243700.

gnomAD v4.1: 3 of 1,614,144 alleles (0.00019%); highest among the groups gnomAD compares: East Asian, 0.0045%; no homozygotes.

Submissions (2):

GeneDx
Classification: Uncertain significance. Last evaluated: 2025-06-12. Review status: criteria provided, single submitter. Criteria: GeneDx Variant Classification Process June 2021. Collection method: clinical testing. Allele origin: germline. Affected: yes.
Comment: In silico analysis supports that this missense variant has a deleterious effect on protein structure/function; Has not been previously published as pathogenic or benign to our knowledge

Labcorp Genetics (formerly Invitae), Labcorp
Classification: Uncertain significance for Combined immunodeficiency due to DOCK8 deficiency. Last evaluated: 2025-04-17. Review status: criteria provided, single submitter. Criteria: Invitae Variant Classification Sherloc (09022015). Collection method: clinical testing. Allele origin: germline.
Comment: This sequence change replaces serine, which is neutral and polar, with phenylalanine, which is neutral and non-polar, at codon 1279 of the DOCK8 protein (p.Ser1279Phe). This variant is present in population databases (rs748601357, gnomAD 0.02%). This variant has not been reported in the literature in individuals affected with DOCK8-related conditions. Invitae Evidence Modeling of protein sequence and biophysical properties (such as structural, functional, and spatial information, amino acid conservation, physicochemical variation, residue mobility, and thermodynamic stability) indicates that this missense variant is not expected to disrupt DOCK8 protein function with a negative predictive value of 80%. In summary, the available evidence is currently insufficient to determine the role of this variant in disease. Therefore, it has been classified as a Variant of Uncertain Significance.